The following is an entry in ClinVar:

ClinVar aggregate classification (germline): Uncertain significance (1 of 4 stars; one submission).

Submission:

GeneDx
Classification: Uncertain significance. Last evaluated: 2023-06-30. Review status: criteria provided, single submitter. Criteria: GeneDx Variant Classification Process June 2021. Collection method: clinical testing. Allele origin: germline. Affected: yes.
Comment: Not observed at significant frequency in large population cohorts (gnomAD); In silico analysis supports that this missense variant does not alter protein structure/function; Has not been previously published as pathogenic or benign to our knowledge

NM_000188.3(HK1):c.2212A>G (p.Lys738Glu)

Gene: HK1 (hexokinase 1; plus strand). Cytogenetic location: 10q22.1.
Variant type: single nucleotide variant.
Coding change: c.2212A>G on transcript NM_000188.3 (MANE Select); coding-DNA position 2212, A replaced by G.
Protein change: p.Lys738Glu; replaces lysine 738 with glutamic acid.
Molecular consequence: missense variant.
Genome position (GRCh38, 1-based): chr10:69,392,301, A>G. VCF-style: chr10-69392301-A-G. GRCh37 (hg19) VCF-style: chr10-71152057-A-G.
Other names: c.2224A>G, p.Lys742Glu (NM_001322364.2, NM_001358263.1, NM_033497.3 and 1 more transcripts); c.2317A>G, p.Lys773Glu (NM_001322365.2); c.2128A>G, p.Lys710Glu (NM_001322366.1); c.2116A>G, p.Lys706Glu (NM_001322367.1); c.2209A>G, p.Lys737Glu (NM_033496.3); c.2176A>G, p.Lys726Glu (NM_033500.2); short protein forms K706E, K710E, K726E, K737E, K738E, K742E, K773E.
Identifiers: ClinVar variation 3360629 (VCV003360629.1).
Genomic context (GRCh38, chr10:69,392,301, plus strand): 5'-CTGGATGATATCAGGACACACTACGACAGACTGGTGGACGAATATTCCCTAAATGCTGGG[A>G]AACAAAGGTAACCCCGCCTGGTGGAGAGGACACTCACAGTCAGGGTGGGGGCAGCACTTG-3'
Protein context (NP_000179.2, residues 728-748): LVDEYSLNAG[Lys738Glu]QRYEKMISGM